The following is an entry in ClinVar:

NM_006949.4(STXBP2):c.1024A>G (p.Lys342Glu)

Gene: STXBP2 (syntaxin binding protein 2; plus strand). Cytogenetic location: 19p13.2.
Variant type: single nucleotide variant.
Coding change: c.1024A>G on transcript NM_006949.4 (MANE Select); coding-DNA position 1024, A replaced by G.
Protein change: p.Lys342Glu; replaces lysine 342 with glutamic acid.
Molecular consequence: missense variant. On other transcripts: non-coding transcript variant (1).
Genome position (GRCh38, 1-based): chr19:7,643,046, A>G. VCF-style: chr19-7643046-A-G. GRCh37 (hg19) VCF-style: chr19-7707932-A-G.
Other names: c.1015A>G, p.Lys339Glu (NM_001127396.3); c.1057A>G, p.Lys353Glu (NM_001272034.2); short protein forms K339E, K353E, K342E.
Identifiers: ClinVar variation 1491887 (VCV001491887.5), dbSNP rs773931525, ClinGen allele CA9143926.
Genomic context (GRCh38, chr19:7,643,046, plus strand): 5'-AACATCAAAGACCTATCCCAGATCCTGAAAAAGATGCCGCAGTACCAGAAGGAGCTGAAT[A>G]AGGTGTGCTCGGGTGGGCAGGGAGCGGGGACACCTCGGCCCCTCAACCCCATGCTCTGTC-3'
Protein context (NP_008880.2, residues 332-352): KMPQYQKELN[Lys342Glu]YSTHLHLADD

ClinVar aggregate classification (germline): Uncertain significance (1 of 4 stars; one submission).

Conditions:
Familial hemophagocytic lymphohistiocytosis 5. Also called: STXBP2-Related Familial Hemophagocytic Lymphohistiocytosis (STXBP2-fHLH). Identifiers: Orphanet 540, MedGen C2751293, MONDO:0013135, OMIM 613101.

Allele frequency attached by ClinVar (database versions not stated): ExAC 0.00001; gnomAD 0.00001; gnomAD exomes 0.00001 and 0.00002; TOPMed 0.00001.
gnomAD v4.1: 9 of 1,614,058 alleles (0.00056%); highest among the groups gnomAD compares: Admixed American, 0.005%; no homozygotes.

Submission:

Labcorp Genetics (formerly Invitae), Labcorp
Classification: Uncertain significance for Familial hemophagocytic lymphohistiocytosis 5. Last evaluated: 2024-10-22. Review status: criteria provided, single submitter. Criteria: Invitae Variant Classification Sherloc (09022015). Collection method: clinical testing. Allele origin: germline.
Comment: This sequence change replaces lysine, which is basic and polar, with glutamic acid, which is acidic and polar, at codon 342 of the STXBP2 protein (p.Lys342Glu). This variant is present in population databases (rs773931525, gnomAD 0.009%). This variant has not been reported in the literature in individuals affected with STXBP2-related conditions. ClinVar contains an entry for this variant (Variation ID: 1491887). Invitae Evidence Modeling of protein sequence and biophysical properties (such as structural, functional, and spatial information, amino acid conservation, physicochemical variation, residue mobility, and thermodynamic stability) indicates that this missense variant is not expected to disrupt STXBP2 protein function with a negative predictive value of 95%. In summary, the available evidence is currently insufficient to determine the role of this variant in disease. Therefore, it has been classified as a Variant of Uncertain Significance.